The following is an entry in ClinVar:

ClinVar aggregate classification (germline): Uncertain significance. Review status: criteria provided, multiple submitters, no conflicts (2 of 4 stars). 2 submissions from 2 submitters: Uncertain significance (2). Last evaluated 2025-11-18.

Submissions (2):

Labcorp Genetics (formerly Invitae), Labcorp
Classification: Uncertain significance. Last evaluated: 2025-11-18. Review status: criteria provided, single submitter. Criteria: Invitae Variant Classification Sherloc (09022015). Collection method: clinical testing. Allele origin: germline.
Comment: This sequence change replaces glycine, which is neutral and non-polar, with aspartic acid, which is acidic and polar, at codon 277 of the PRDM13 protein (p.Gly277Asp). This variant is not present in population databases (gnomAD no frequency). This variant has not been reported in the literature in individuals affected with PRDM13-related conditions. An algorithm developed to predict the effect of missense changes on protein structure and function (PolyPhen-2) suggests that this variant is likely to be tolerated. In summary, the available evidence is currently insufficient to determine the role of this variant in disease. Therefore, it has been classified as a Variant of Uncertain Significance.

Blueprint Genetics
Classification: Uncertain significance. Last evaluated: 2019-01-18. Review status: criteria provided, single submitter. Criteria: ACMG Guidelines, 2015. Collection method: clinical testing. Allele origin: germline.

NM_021620.4(PRDM13):c.830G>A (p.Gly277Asp)

Gene: PRDM13 (PR/SET domain 13; plus strand). Cytogenetic location: 6q16.2.
Variant type: single nucleotide variant.
Coding change: c.830G>A on transcript NM_021620.4 (MANE Select); coding-DNA position 830, G replaced by A.
Protein change: p.Gly277Asp; replaces glycine 277 with aspartic acid.
Molecular consequence: missense variant.
Genome position (GRCh38, 1-based): chr6:99,613,465, G>A. VCF-style: chr6-99613465-G-A. GRCh37 (hg19) VCF-style: chr6-100061341-G-A.
Other names: short protein forms G277D.
Identifiers: ClinVar variation 4760616 (VCV004760616.2).